The following is an entry in ClinVar:

ClinVar aggregate classification (germline): Uncertain significance (1 of 4 stars; one submission).

gnomAD v4.1: 1 of 1,614,002 alleles (0.000062%); highest among the groups gnomAD compares: Non-Finnish European, 0.000085%; no homozygotes.

Submission:

GeneDx
Classification: Uncertain significance. Last evaluated: 2026-02-13. Review status: criteria provided, single submitter. Criteria: GeneDx Variant Classification Process June 2021. Collection method: clinical testing. Allele origin: germline.
Comment: Not observed at significant frequency in large population cohorts (gnomAD); In silico analysis suggests that this missense variant does not alter protein structure/function; Has not been previously published as pathogenic or benign to our knowledge

NM_001378414.1(HDAC4):c.854T>C (p.Leu285Ser)

Gene: HDAC4 (histone deacetylase 4; minus strand). Cytogenetic location: 2q37.3.
Variant type: single nucleotide variant.
Coding change: c.854T>C on transcript NM_001378414.1 (MANE Select); coding-DNA position 854, T replaced by C.
Protein change: p.Leu285Ser; replaces leucine 285 with serine.
Molecular consequence: missense variant.
Genome position (GRCh38, 1-based): chr2:239,144,594, A>G on the plus strand (T>C on the coding strand, the complement: HDAC4 is on the minus strand). VCF-style: chr2-239144594-A-G. GRCh37 (hg19) VCF-style: chr2-240066290-A-G.
Other names: c.854T>C, p.Leu285Ser (NM_001378415.1, NM_001378416.1, NM_001378417.1 and 1 more transcripts); c.773T>C, p.Leu258Ser (NM_001435991.1, NM_001435992.1, NM_001435994.1 and 1 more transcripts); c.710T>C, p.Leu237Ser (NM_001435993.1); c.839T>C, p.Leu280Ser (NM_001435996.1); short protein forms L237S, L258S, L280S, L285S.
Identifiers: ClinVar variation 4976499 (VCV004976499.1).